The following is an entry in ClinVar:

ClinVar aggregate classification (germline): Uncertain significance (1 of 4 stars; one submission).

Submission:

Ambry Genetics
Classification: Uncertain significance. Last evaluated: 2025-12-15. Review status: criteria provided, single submitter. Criteria: Ambry Variant Classification Scheme 2023. Collection method: clinical testing. Allele origin: germline.
Comment: The p.R1186P variant (also known as c.3557G>C), located in coding exon 14 of the WNK2 gene, results from a G to C substitution at nucleotide position 3557. The arginine at codon 1186 is replaced by proline, an amino acid with dissimilar properties. This amino acid position is conserved. In addition, the in silico prediction for this alteration is inconclusive. Based on the available evidence, the clinical significance of this variant remains unclear.

NM_006648.4(WNK2):c.3557G>C (p.Arg1186Pro)

Gene: WNK2 (WNK lysine deficient protein kinase 2; plus strand). Cytogenetic location: 9q22.31.
Variant type: single nucleotide variant.
Coding change: c.3557G>C on transcript NM_006648.4 (MANE Select); coding-DNA position 3557, G replaced by C.
Protein change: p.Arg1186Pro; replaces arginine 1186 with proline.
Molecular consequence: missense variant.
Genome position (GRCh38, 1-based): chr9:93,263,712, G>C. VCF-style: chr9-93263712-G-C. GRCh37 (hg19) VCF-style: chr9-96025994-G-C.
Other names: c.3557G>C, p.Arg1186Pro (NM_001282394.3); short protein forms R1186P.
Identifiers: ClinVar variation 4842069 (VCV004842069.1).
Genomic context (GRCh38, chr9:93,263,712, plus strand): 5'-CAGCCCGAAAACACCACCGCAGGTCCACGCGTGCGCGCTCCCGGCAGGAGAGGGCCAGCC[G>C]GCCCCGGCTTACCATCTTGAACGTGAGTGGGCGGGGCGTGGCGGGGGTGTGGTGGGGGTG-3'
Protein context (NP_006639.3, residues 1176-1196): RARSRQERAS[Arg1186Pro]PRLTILNVCN